The following is an entry in ClinVar:

NM_153676.4(USH1C):c.379G>A (p.Gly127Arg)

Gene: USH1C (USH1 protein network component harmonin; minus strand). Cytogenetic location: 11p15.1.
Variant type: single nucleotide variant.
Coding change: c.379G>A on transcript NM_153676.4 (MANE Select); coding-DNA position 379, G replaced by A.
Protein change: p.Gly127Arg; replaces glycine 127 with arginine.
Molecular consequence: missense variant. On other transcripts: non-coding transcript variant (1).
Genome position (GRCh38, 1-based): chr11:17,531,162, C>T on the plus strand (G>A on the coding strand, the complement: USH1C is on the minus strand). VCF-style: chr11-17531162-C-T. GRCh37 (hg19) VCF-style: chr11-17552709-C-T.
Other names: c.379G>A, p.Gly127Arg (NM_001297764.2, NM_005709.4); short protein forms G127R.
Identifiers: ClinVar variation 229607 (VCV000229607.12), dbSNP rs768207716, ClinGen allele CA5905083.

ClinVar aggregate classification (germline): Uncertain significance. Review status: criteria provided, multiple submitters, no conflicts (2 of 4 stars). 5 submissions from 5 submitters: Uncertain significance (3). 2 of the submissions do not count toward it. Last evaluated 2022-11-04.

Conditions:
Autosomal recessive nonsyndromic hearing loss 18A. Also called: DEAFNESS, AUTOSOMAL RECESSIVE 18; Deafness, autosomal recessive 18A. Identifiers: Orphanet 90636, MedGen C1865870, MONDO:0011192, OMIM 602092.
Usher syndrome type 1C. Also called: USHER SYNDROME, TYPE I, ACADIAN VARIETY. Identifiers: Orphanet 231169, Orphanet 886, MedGen C1848604, MONDO:0010171, OMIM 276904.

Allele frequency attached by ClinVar (database versions not stated): TOPMed 0.00001; ExAC 0.00002; gnomAD exomes 0.00002.
gnomAD v4.1: 25 of 1,614,064 alleles (0.0015%); highest among the groups gnomAD compares: East Asian, 0.0045%; no homozygotes.

Submissions (5):

Blueprint Genetics
Classification: Uncertain significance. Last evaluated: 2022-11-04. Review status: criteria provided, single submitter. Criteria: ACMG Guidelines, 2015. Collection method: clinical testing. Allele origin: germline.

Labcorp Genetics (formerly Invitae), Labcorp
Classification: Uncertain significance. Last evaluated: 2022-10-04. Review status: criteria provided, single submitter. Criteria: Invitae Variant Classification Sherloc (09022015). Collection method: clinical testing. Allele origin: germline.
Comment: This sequence change replaces glycine, which is neutral and non-polar, with arginine, which is basic and polar, at codon 127 of the USH1C protein (p.Gly127Arg). This variant is present in population databases (rs768207716, gnomAD 0.02%). This variant has not been reported in the literature in individuals affected with USH1C-related conditions. ClinVar contains an entry for this variant (Variation ID: 229607). Algorithms developed to predict the effect of missense changes on protein structure and function (SIFT, PolyPhen-2, Align-GVGD) all suggest that this variant is likely to be disruptive. In summary, the available evidence is currently insufficient to determine the role of this variant in disease. Therefore, it has been classified as a Variant of Uncertain Significance.

Laboratory for Molecular Medicine, Mass General Brigham Personalized Medicine
Classification: Uncertain significance. Last evaluated: 2016-03-29. Review status: criteria provided, single submitter. Criteria: LMM Criteria. Collection method: clinical testing. Allele origin: germline. Observed: 1 variant allele.
Comment: The p.Gly127Arg variant in USH1C has not been previously reported in individuals with hearing loss. This variant has been identified in 1/65418 European chromos omes by the Exome Aggregation Consortium (ExAC; dbSNP rs768207716). Computational prediction tools and conservation analyses sug gest that the p.Gly127Arg variant may impact the protein, though this informatio n is not predictive enough to determine pathogenicity. In summary, the clinical significance of the p.Gly127Arg variant is uncertain.

Natera, Inc.
Classification: Uncertain significance for Usher syndrome type 1C. Last evaluated: 2021-05-19. Review status: no assertion criteria provided. Collection method: clinical testing. Allele origin: germline. Not counted in ClinVar's aggregate classification.

Counsyl
Classification: Uncertain significance for Usher syndrome type 1C; Autosomal recessive nonsyndromic hearing loss 18A. Last evaluated: 2018-02-20. Review status: no assertion criteria provided. Collection method: clinical testing. Allele origin: unknown. Not counted in ClinVar's aggregate classification.